The following is an entry in ClinVar:

NM_001166108.2(PALLD):c.445A>T (p.Ser149Cys)

Gene: PALLD (palladin, cytoskeletal associated protein; plus strand). Cytogenetic location: 4q32.3.
Variant type: single nucleotide variant.
Coding change: c.445A>T on transcript NM_001166108.2 (MANE Select); coding-DNA position 445, A replaced by T.
Protein change: p.Ser149Cys; replaces serine 149 with cysteine.
Molecular consequence: missense variant.
Genome position (GRCh38, 1-based): chr4:168,511,949, A>T. VCF-style: chr4-168511949-A-T. GRCh37 (hg19) VCF-style: chr4-169433100-A-T.
Other names: c.445A>T, p.Ser149Cys (NM_016081.4); short protein forms S149C.
Identifiers: ClinVar variation 1740756 (VCV001740756.2), dbSNP rs1313856442, ClinGen allele CA358726039.

ClinVar aggregate classification (germline): Uncertain significance (1 of 4 stars; one submission).

Submission:

Ambry Genetics
Classification: Uncertain significance. Last evaluated: 2022-05-20. Review status: criteria provided, single submitter. Criteria: Ambry Variant Classification Scheme 2023. Collection method: clinical testing. Allele origin: germline.
Comment: The p.S149C variant (also known as c.445A>T), located in coding exon 1 of the PALLD gene, results from an A to T substitution at nucleotide position 445. The serine at codon 149 is replaced by cysteine, an amino acid with dissimilar properties. This amino acid position is conserved. In addition, this alteration is predicted to be tolerated by in silico analysis. Since supporting evidence is limited at this time, the clinical significance of this alteration remains unclear.